The following is an entry in ClinVar:

NM_000444.6(PHEX):c.1777dup (p.Tyr593fs)

Genes: PHEX (phosphate regulating endopeptidase X-linked; plus strand), PTCHD1-AS (PTCHD1 and PHEX antisense RNA; minus strand). Cytogenetic location: Xp22.11.
Variant type: Duplication.
Coding change: c.1777dup on transcript NM_000444.6 (MANE Select); coding-DNA position 1777, one base duplicated (T; older notation c.1777dupT).
Protein change: p.Tyr593fs; shifts the reading frame from tyrosine 593.
Molecular consequence: frameshift variant.
Genome position (GRCh38, 1-based): chrX:22,221,621, T duplicated. VCF-style (leftmost placement, unchanged base first): chrX-22221620-A-AT. GRCh37 (hg19) VCF-style: chrX-22239737-A-AT.
Other names: c.1777dup, p.Tyr593fs (NM_001282754.2); short protein forms Y593fs.
Identifiers: ClinVar variation 2119513 (VCV002119513.4), dbSNP rs2518664173, ClinGen allele CA2580100494.

ClinVar aggregate classification (germline): Pathogenic (1 of 4 stars; one submission).

Submission:

Labcorp Genetics (formerly Invitae), Labcorp
Classification: Pathogenic. Last evaluated: 2022-03-29. Review status: criteria provided, single submitter. Criteria: Invitae Variant Classification Sherloc (09022015). Collection method: clinical testing. Allele origin: germline.
Comment: For these reasons, this variant has been classified as Pathogenic. This variant has not been reported in the literature in individuals affected with PHEX-related conditions. This variant is not present in population databases (gnomAD no frequency). This sequence change creates a premature translational stop signal (p.Tyr593Leufs*2) in the PHEX gene. It is expected to result in an absent or disrupted protein product. Loss-of-function variants in PHEX are known to be pathogenic (PMID: 9097956, 9106524, 19219621).

Literature cited by the submitters: PubMed 9097956; PubMed 9106524; PubMed 19219621.